The following is an entry in ClinVar:

NM_006361.6(HOXB13):c.454_455del (p.Leu152fs)

Gene: HOXB13 (homeobox B13; minus strand). Cytogenetic location: 17q21.32.
Variant type: Microsatellite.
Coding change: c.454_455del on transcript NM_006361.6 (MANE Select); coding-DNA positions 454 to 455, 2 bases deleted (CT; older notation c.454_455delCT).
Protein change: p.Leu152fs; shifts the reading frame from leucine 152.
Molecular consequence: frameshift variant.
Genome position (GRCh38, 1-based): chr17:48,728,139-48,728,140, AG deleted on the plus strand (CT on the coding strand, the reverse complement: HOXB13 is on the minus strand); deleting any 2 consecutive bases within chr17:48,728,139-48,728,142 gives the same sequence; the c. name uses the placement nearest the transcript's 3' end. VCF-style (leftmost placement, unchanged base first): chr17-48728138-CAG-C. GRCh37 (hg19) VCF-style: chr17-46805500-CAG-C.
Other names: short protein forms L152fs.
Identifiers: ClinVar variation 964156 (VCV000964156.7), dbSNP rs2038233029, ClinGen allele CA2263242454.
Genomic context (GRCh38, chr17:48,728,138, plus strand): 5'-CCAAGACTGGTAACTGTCCACAGGCAACAGGGAGTCATGTCGCGGTTCTCCAGGAGCACC[CAG>C]AGTCTGCACCACAGACACGTCCAGGTAACTGGCCATAGGCTGGTAGGTTCCCGGATATCC-3'

ClinVar aggregate classification (germline): Uncertain significance (1 of 4 stars; one submission).

Submission:

Labcorp Genetics (formerly Invitae), Labcorp
Classification: Uncertain significance. Last evaluated: 2019-09-25. Review status: criteria provided, single submitter. Criteria: Invitae Variant Classification Sherloc (09022015). Collection method: clinical testing. Allele origin: germline.
Comment: This sequence change creates a premature translational stop signal (p.Leu152Glyfs*9) in the HOXB13 gene. It is expected to result in an absent or disrupted protein product. This variant is not present in population databases (ExAC no frequency). This variant has not been reported in the literature in individuals with HOXB13-related conditions. The current clinical and genetic evidence is not sufficient to establish whether loss-of-function variants in HOXB13 cause disease. In summary, the available evidence is currently insufficient to determine the role of this variant in disease. Therefore, it has been classified as a Variant of Uncertain Significance.